The following is an entry in ClinVar:

NM_006996.3(SLC19A2):c.1155C>T (p.Asn385=)

Gene: SLC19A2 (solute carrier family 19 member 2; minus strand). Cytogenetic location: 1q24.2.
Variant type: single nucleotide variant.
Coding change: c.1155C>T on transcript NM_006996.3 (MANE Select); coding-DNA position 1155, C replaced by T.
Protein change: p.Asn385=; no amino-acid change (asparagine 385 retained).
Molecular consequence: synonymous variant.
Genome position (GRCh38, 1-based): chr1:169,468,712, G>A on the plus strand (C>T on the coding strand, the complement: SLC19A2 is on the minus strand). VCF-style: chr1-169468712-G-A. GRCh37 (hg19) VCF-style: chr1-169437950-G-A.
Other names: c.552C>T, p.Asn184= (NM_001319667.1).
Identifiers: ClinVar variation 2864078 (VCV002864078.7), dbSNP rs2526236178, ClinGen allele CA421730439.

ClinVar aggregate classification (germline): Likely benign. Review status: criteria provided, multiple submitters, no conflicts (2 of 4 stars). 2 submissions from 2 submitters: Likely benign (2). Last evaluated 2026-02-01.

Submissions (2):

CeGaT Center for Human Genetics Tuebingen
Classification: Likely benign. Last evaluated: 2026-02-01. Review status: criteria provided, single submitter. Criteria: CeGaT Center For Human Genetics Tuebingen Variant Classification Criteria Version 2. Collection method: clinical testing. Allele origin: germline. Affected: yes. Observed: 1 variant allele.
Comment: SLC19A2: PM2:Supporting, BP4, BP7

Labcorp Genetics (formerly Invitae), Labcorp
Classification: Likely benign. Last evaluated: 2023-11-03. Review status: criteria provided, single submitter. Criteria: Invitae Variant Classification Sherloc (09022015). Collection method: clinical testing. Allele origin: germline.